The following is an entry in ClinVar:

ClinVar aggregate classification (germline): Conflicting classifications of pathogenicity. Review status: criteria provided, conflicting classifications (1 of 4 stars). 2 submissions from 2 submitters: Uncertain significance (1); Likely benign (1). Last evaluated 2022-12-21.

Allele frequency attached by ClinVar (database versions not stated): gnomAD exomes 0.00004; ExAC 0.00006; TOPMed 0.00010.

Submissions (2):

Ambry Genetics
Classification: Likely benign. Last evaluated: 2022-12-21. Review status: criteria provided, single submitter. Criteria: Ambry Variant Classification Scheme 2023. Collection method: clinical testing. Allele origin: germline.

Labcorp Genetics (formerly Invitae), Labcorp
Classification: Uncertain significance. Last evaluated: 2022-06-20. Review status: criteria provided, single submitter. Criteria: Invitae Variant Classification Sherloc (09022015). Collection method: clinical testing. Allele origin: germline.
Comment: This sequence change replaces arginine, which is basic and polar, with histidine, which is basic and polar, at codon 100 of the HMOX1 protein (p.Arg100His). This variant is present in population databases (rs747303322, gnomAD 0.008%). This variant has not been reported in the literature in individuals affected with HMOX1-related conditions. Algorithms developed to predict the effect of missense changes on protein structure and function output the following: SIFT: "Tolerated"; PolyPhen-2: "Benign"; Align-GVGD: "Class C0". The histidine amino acid residue is found in multiple mammalian species, which suggests that this missense change does not adversely affect protein function. In summary, the available evidence is currently insufficient to determine the role of this variant in disease. Therefore, it has been classified as a Variant of Uncertain Significance.

NM_002133.3(HMOX1):c.299G>A (p.Arg100His)

Gene: HMOX1 (heme oxygenase 1; plus strand). Cytogenetic location: 22q12.3.
Variant type: single nucleotide variant.
Coding change: c.299G>A on transcript NM_002133.3 (MANE Select); coding-DNA position 299, G replaced by A.
Protein change: p.Arg100His; replaces arginine 100 with histidine.
Molecular consequence: missense variant.
Genome position (GRCh38, 1-based): chr22:35,386,839, G>A. VCF-style: chr22-35386839-G-A. GRCh37 (hg19) VCF-style: chr22-35782832-G-A.
Other names: c.299G>A (NM_002133.2); short protein forms R100H.
Identifiers: ClinVar variation 1399096 (VCV001399096.6), dbSNP rs747303322, ClinGen allele CA10204687.